The following is an entry in ClinVar:

NM_001369.3(DNAH5):c.13123G>A (p.Glu4375Lys)

Gene: DNAH5 (dynein axonemal heavy chain 5; minus strand). Cytogenetic location: 5p15.2.
Variant type: single nucleotide variant.
Coding change: c.13123G>A on transcript NM_001369.3 (MANE Select); coding-DNA position 13123, G replaced by A.
Protein change: p.Glu4375Lys; replaces glutamic acid 4375 with lysine.
Molecular consequence: missense variant.
Genome position (GRCh38, 1-based): chr5:13,714,407, C>T on the plus strand (G>A on the coding strand, the complement: DNAH5 is on the minus strand). VCF-style: chr5-13714407-C-T. GRCh37 (hg19) VCF-style: chr5-13714516-C-T.
Other names: c.13123G>A (NM_001369.2); short protein forms E4375K.
Identifiers: ClinVar variation 1046110 (VCV001046110.5), dbSNP rs955768429, ClinGen allele CA113917430.

ClinVar aggregate classification (germline): Uncertain significance. Review status: criteria provided, multiple submitters, no conflicts (2 of 4 stars). 2 submissions from 2 submitters: Uncertain significance (2). Last evaluated 2025-02-03.

Conditions:
Primary ciliary dyskinesia. Also called: Ciliary dyskinesia. Identifiers: Orphanet 244, MedGen C0008780, MONDO:0016575, HP:0012265.

Allele frequency attached by ClinVar (database versions not stated): gnomAD exomes below 0.00001; gnomAD 0.00003; TOPMed 0.00004.
gnomAD v4.1: 5 of 1,614,018 alleles (0.00031%); highest among the groups gnomAD compares: African/African-American, 0.0067%; no homozygotes.

Submissions (2):

GeneDx
Classification: Uncertain significance. Last evaluated: 2025-02-03. Review status: criteria provided, single submitter. Criteria: GeneDx Variant Classification Process June 2021. Collection method: clinical testing. Allele origin: germline. Affected: yes.
Comment: Not observed at significant frequency in large population cohorts (gnomAD); In silico analysis supports that this missense variant has a deleterious effect on protein structure/function; Has not been previously published as pathogenic or benign to our knowledge

Labcorp Genetics (formerly Invitae), Labcorp
Classification: Uncertain significance for Primary ciliary dyskinesia. Last evaluated: 2022-06-13. Review status: criteria provided, single submitter. Criteria: Invitae Variant Classification Sherloc (09022015). Collection method: clinical testing. Allele origin: germline.
Comment: This sequence change replaces glutamic acid, which is acidic and polar, with lysine, which is basic and polar, at codon 4375 of the DNAH5 protein (p.Glu4375Lys). This variant is not present in population databases (gnomAD no frequency). This variant has not been reported in the literature in individuals affected with DNAH5-related conditions. ClinVar contains an entry for this variant (Variation ID: 1046110). Algorithms developed to predict the effect of missense changes on protein structure and function are either unavailable or do not agree on the potential impact of this missense change (SIFT: "Deleterious"; PolyPhen-2: "Possibly Damaging"; Align-GVGD: "Class C0"). In summary, the available evidence is currently insufficient to determine the role of this variant in disease. Therefore, it has been classified as a Variant of Uncertain Significance.